The following is an entry in ClinVar:

ClinVar aggregate classification (germline): Uncertain significance (1 of 4 stars; one submission).

Conditions:
Naxos disease (NXD). Also called: KERATOSIS PALMOPLANTARIS WITH ARRHYTHMOGENIC CARDIOMYOPATHY; MAL DE NAXOS; PALMOPLANTAR KERATODERMA WITH ARRHYTHMOGENIC RIGHT VENTRICULAR CARDIOMYOPATHY AND WOOLLY HAIR; CARDIOMYOPATHY, ARRHYTHMOGENIC RIGHT VENTRICULAR, WITH SKIN, HAIR, AND NAIL ABNORMALITIES; WOOLLY HAIR, PALMOPLANTAR KERATODERMA, AND CARDIAC ABNORMALITIES. Identifiers: Orphanet 34217, MedGen C1832600, MONDO:0011017, OMIM 601214.
Arrhythmogenic right ventricular dysplasia 12. Also called: ARRHYTHMOGENIC RIGHT VENTRICULAR DYSPLASIA, FAMILIAL, 12. Identifiers: MedGen C1969081, MONDO:0012684, OMIM 611528.

Submission:

Labcorp Genetics (formerly Invitae), Labcorp
Classification: Uncertain significance for Arrhythmogenic right ventricular dysplasia 12; Naxos disease. Last evaluated: 2025-03-26. Review status: criteria provided, single submitter. Criteria: Invitae Variant Classification Sherloc (09022015). Collection method: clinical testing. Allele origin: germline.
Comment: This sequence change replaces aspartic acid, which is acidic and polar, with asparagine, which is neutral and polar, at codon 659 of the JUP protein (p.Asp659Asn). This variant is not present in population databases (gnomAD no frequency). This variant has not been reported in the literature in individuals affected with JUP-related conditions. An algorithm developed to predict the effect of missense changes on protein structure and function (PolyPhen-2) suggests that this variant is likely to be tolerated. In summary, the available evidence is currently insufficient to determine the role of this variant in disease. Therefore, it has been classified as a Variant of Uncertain Significance.

NM_002230.4(JUP):c.1975G>A (p.Asp659Asn)

Gene: JUP (junction plakoglobin; minus strand). Cytogenetic location: 17q21.2.
Variant type: single nucleotide variant.
Coding change: c.1975G>A on transcript NM_002230.4 (MANE Select); coding-DNA position 1975, G replaced by A.
Protein change: p.Asp659Asn; replaces aspartic acid 659 with asparagine.
Molecular consequence: missense variant.
Genome position (GRCh38, 1-based): chr17:41,757,486, C>T on the plus strand (G>A on the coding strand, the complement: JUP is on the minus strand). VCF-style: chr17-41757486-C-T. GRCh37 (hg19) VCF-style: chr17-39913738-C-T.
Other names: c.1975G>A, p.Asp659Asn (NM_001352773.2, NM_001352774.2, NM_001352775.2 and 3 more transcripts); short protein forms D659N.
Identifiers: ClinVar variation 4784548 (VCV004784548.1).